The following is an entry in ClinVar:

NM_006031.6(PCNT):c.1737T>C (p.Asp579=)

Gene: PCNT (pericentrin; plus strand). Cytogenetic location: 21q22.3.
Variant type: single nucleotide variant.
Coding change: c.1737T>C on transcript NM_006031.6 (MANE Select); coding-DNA position 1737, T replaced by C.
Protein change: p.Asp579=; no amino-acid change (aspartic acid 579 retained).
Molecular consequence: synonymous variant.
Genome position (GRCh38, 1-based): chr21:46,354,044, T>C. VCF-style: chr21-46354044-T-C. GRCh37 (hg19) VCF-style: chr21-47773958-T-C.
Other names: c.1383T>C, p.Asp461= (NM_001315529.2).
Identifiers: ClinVar variation 897234 (VCV000897234.8), dbSNP rs1170990391, ClinGen allele CA512731939.
Genomic context (GRCh38, chr21:46,354,044, plus strand): 5'-CAGGTTGTCCTGTGTGGGTTTAGAAGAGAAACCTGAGAAAGGAAGAAAAGATCACGTTGA[T>C]GAACTCGAGCCTGAGCGACATAAGGTAATTGGCCGCGCGCTGAGAAGTGGGGGAGTCCTG-3'
Protein context (NP_006022.3, residues 569-589): KPEKGRKDHV[Asp579=]ELEPERHKES

ClinVar aggregate classification (germline): Conflicting classifications of pathogenicity. Review status: criteria provided, conflicting classifications (1 of 4 stars). 3 submissions from 3 submitters: Uncertain significance (1); Likely benign (1). 1 of the submissions does not count toward it. Last evaluated 2023-12-21.

Conditions:
Microcephalic osteodysplastic primordial dwarfism type II (MOPD2). Also called: Microcephalic osteodysplastic primordial dwarfism with tooth abnormalities; MOPD II; OSTEODYSPLASTIC PRIMORDIAL DWARFISM, TYPE II. Identifiers: Orphanet 2637, MedGen C0432246, MONDO:0008872, OMIM 210720.
PCNT-related disorder. Also called: PCNT-related condition.

Allele frequency attached by ClinVar (database versions not stated): gnomAD 0.00001.
gnomAD v4.1: 1 of 1,613,982 alleles (0.000062%); highest among the groups gnomAD compares: Non-Finnish European, 0.000085%; no homozygotes.

Submissions (3):

Labcorp Genetics (formerly Invitae), Labcorp
Classification: Likely benign. Last evaluated: 2023-12-21. Review status: criteria provided, single submitter. Criteria: Invitae Variant Classification Sherloc (09022015). Collection method: clinical testing. Allele origin: germline.

Illumina Laboratory Services, Illumina
Classification: Uncertain significance for Microcephalic osteodysplastic primordial dwarfism type II. Last evaluated: 2018-01-13. Review status: criteria provided, single submitter. Criteria: ICSL Variant Classification Criteria 13 December 2019. Collection method: clinical testing. Allele origin: germline.

PreventionGenetics, part of Exact Sciences
Classification: Likely benign for PCNT-related condition. Last evaluated: 2022-02-02. Review status: no assertion criteria provided. Collection method: clinical testing. Allele origin: germline. Not counted in ClinVar's aggregate classification.
Comment: This variant is classified as likely benign based on ACMG/AMP sequence variant interpretation guidelines (Richards et al. 2015 PMID: 25741868, with internal and published modifications).